The following is an entry in ClinVar:

NM_001211.6(BUB1B):c.1988C>T (p.Thr663Ile)

Gene: BUB1B (BUB1 mitotic checkpoint serine/threonine kinase B; plus strand). Cytogenetic location: 15q15.1.
Variant type: single nucleotide variant.
Coding change: c.1988C>T on transcript NM_001211.6 (MANE Select); coding-DNA position 1988, C replaced by T.
Protein change: p.Thr663Ile; replaces threonine 663 with isoleucine.
Molecular consequence: missense variant.
Genome position (GRCh38, 1-based): chr15:40,206,437, C>T. VCF-style: chr15-40206437-C-T. GRCh37 (hg19) VCF-style: chr15-40498638-C-T.
Other names: short protein forms T663I.
Identifiers: ClinVar variation 959548 (VCV000959548.11), dbSNP rs2037638096, ClinGen allele CA391692900.

ClinVar aggregate classification (germline): Uncertain significance (1 of 4 stars; one submission).

Conditions:
Mosaic variegated aneuploidy syndrome 1 (MVA1). Also called: Warburton-Anyane-Yeboa syndrome. Identifiers: Orphanet 1052, MedGen C1850343, MONDO:0009759, OMIM 257300.

Submission:

Labcorp Genetics (formerly Invitae), Labcorp
Classification: Uncertain significance for Mosaic variegated aneuploidy syndrome 1. Last evaluated: 2019-07-31. Review status: criteria provided, single submitter. Criteria: Invitae Variant Classification Sherloc (09022015). Collection method: clinical testing. Allele origin: germline.
Comment: This variant is not present in population databases (ExAC no frequency). This sequence change replaces threonine with isoleucine at codon 663 of the BUB1B protein (p.Thr663Ile). The threonine residue is weakly conserved and there is a moderate physicochemical difference between threonine and isoleucine. This variant has not been reported in the literature in individuals with BUB1B-related conditions. Algorithms developed to predict the effect of missense changes on protein structure and function (SIFT, PolyPhen-2, Align-GVGD) all suggest that this variant is likely to be tolerated, but these predictions have not been confirmed by published functional studies and their clinical significance is uncertain. In summary, the available evidence is currently insufficient to determine the role of this variant in disease. Therefore, it has been classified as a Variant of Uncertain Significance.